The following is an entry in ClinVar:

NM_001365536.1(SCN9A):c.3332A>C (p.Asp1111Ala)

Genes: SCN1A-AS1 (SCN1A and SCN9A antisense RNA 1; plus strand), SCN9A (sodium voltage-gated channel alpha subunit 9; minus strand). Cytogenetic location: 2q24.3.
Variant type: single nucleotide variant.
Coding change: c.3332A>C on transcript NM_001365536.1 (MANE Select); coding-DNA position 3332, A replaced by C.
Protein change: p.Asp1111Ala; replaces aspartic acid 1111 with alanine.
Molecular consequence: missense variant.
Genome position (GRCh38, 1-based): chr2:166,272,418, T>G on the plus strand (A>C on the coding strand, the complement: SCN9A is on the minus strand). VCF-style: chr2-166272418-T-G. GRCh37 (hg19) VCF-style: chr2-167128928-T-G.
Other names: c.3299A>C, p.Asp1100Ala (NM_002977.4); short protein forms D1100A, D1111A.
Identifiers: ClinVar variation 1010055 (VCV001010055.11), dbSNP rs753287730, ClinGen allele CA349072483.

ClinVar aggregate classification (germline): Uncertain significance. Review status: criteria provided, multiple submitters, no conflicts (2 of 4 stars). 2 submissions from 2 submitters: Uncertain significance (2). Last evaluated 2022-07-05.

Conditions:
Primary erythromelalgia. Also called: SCN9A Erythromelalgia (SCN9A-EM); primary erythermalgia. Identifiers: Orphanet 306577, Orphanet 90026, MedGen C0014805, MONDO:0007571, OMIM 133020.
Neuropathy, hereditary sensory and autonomic, type 2A (HSAN2A). Also called: ACROOSTEOLYSIS, GIACCAI TYPE; ACROOSTEOLYSIS, NEUROGENIC; MORVAN DISEASE; NEUROPATHY, CONGENITAL SENSORY; NEUROPATHY, HEREDITARY SENSORY RADICULAR, AUTOSOMAL RECESSIVE; NEUROPATHY, HEREDITARY SENSORY, TYPE IIA. Identifiers: Orphanet 970, MedGen C2752089, MONDO:0024309, OMIM 201300.
Paroxysmal extreme pain disorder (PEXPD). Also called: PAIN, SUBMANDIBULAR, OCULAR, AND RECTAL, WITH FLUSHING; RECTAL PAIN, FAMILIAL; SCN9A Paroxysmal Extreme Pain Disorder (SCN9A-PEPD). Identifiers: Orphanet 46348, MedGen C1833661, MONDO:0008179, OMIM 167400.
Channelopathy-associated congenital insensitivity to pain, autosomal recessive. Also called: ASYMBOLIA FOR PAIN; CONGENITAL ANALGESIA, AUTOSOMAL RECESSIVE; Insensitivity to pain, channelopathy-associated. Identifiers: Orphanet 88642, Orphanet 970, MedGen C1855739, MONDO:0009459, OMIM 243000.
Generalized epilepsy with febrile seizures plus, type 7 (GEFSP7). Also called: GEFS+, TYPE 7. Identifiers: Orphanet 36387, MedGen C2751778, MONDO:0013470, OMIM 613863.

Allele frequency attached by ClinVar (database versions not stated): TOPMed 0.00001.
gnomAD v4.1: 2 of 1,597,078 alleles (0.00013%); highest among the groups gnomAD compares: African/African-American, 0.0013%; no homozygotes.

Submissions (2):

Labcorp Genetics (formerly Invitae), Labcorp
Classification: Uncertain significance for Neuropathy, hereditary sensory and autonomic, type 2A; Generalized epilepsy with febrile seizures plus, type 7. Last evaluated: 2022-07-05. Review status: criteria provided, single submitter. Criteria: Invitae Variant Classification Sherloc (09022015). Collection method: clinical testing. Allele origin: germline.
Comment: This sequence change replaces aspartic acid, which is acidic and polar, with alanine, which is neutral and non-polar, at codon 1100 of the SCN9A protein (p.Asp1100Ala). This variant is present in population databases (no rsID available, gnomAD 0.001%). This variant has not been reported in the literature in individuals affected with SCN9A-related conditions. ClinVar contains an entry for this variant (Variation ID: 1010055). Algorithms developed to predict the effect of missense changes on protein structure and function are either unavailable or do not agree on the potential impact of this missense change (SIFT: "Deleterious"; PolyPhen-2: "Possibly Damaging"; Align-GVGD: "Class C0"). In summary, the available evidence is currently insufficient to determine the role of this variant in disease. Therefore, it has been classified as a Variant of Uncertain Significance.

Fulgent Genetics
Classification: Uncertain significance for Primary erythromelalgia; Paroxysmal extreme pain disorder; Neuropathy, hereditary sensory and autonomic, type 2A; Channelopathy-associated congenital insensitivity to pain, autosomal recessive. Last evaluated: 2021-08-19. Review status: criteria provided, single submitter. Criteria: ACMG Guidelines, 2015. Collection method: clinical testing. Allele origin: unknown.